The following is an entry in ClinVar:

NM_004568.6(SERPINB6):c.1092C>A (p.Thr364=)

Gene: SERPINB6 (serpin family B member 6; minus strand). Cytogenetic location: 6p25.2.
Variant type: single nucleotide variant.
Coding change: c.1092C>A on transcript NM_004568.6 (MANE Select); coding-DNA position 1092, C replaced by A.
Protein change: p.Thr364=; no amino-acid change (threonine 364 retained).
Molecular consequence: synonymous variant. On other transcripts: non-coding transcript variant (1).
Genome position (GRCh38, 1-based): chr6:2,948,337, G>T on the plus strand (C>A on the coding strand, the complement: SERPINB6 is on the minus strand). VCF-style: chr6-2948337-G-T. GRCh37 (hg19) VCF-style: chr6-2948571-G-T.
Other names: c.1092C>A (NM_004568.5); c.1104C>A, p.Thr368= (NM_001195291.3, NM_001374515.1); c.1134C>A, p.Thr378= (NM_001271822.2); c.1149C>A, p.Thr383= (NM_001271823.2); c.1092C>A, p.Thr364= (NM_001271824.2, NM_001271825.2, NM_001297699.2 and 2 more transcripts); c.960C>A, p.Thr320= (NM_001374517.1).
Identifiers: ClinVar variation 1120058 (VCV001120058.13), dbSNP rs182270252, ClinGen allele CA3617354.

ClinVar aggregate classification (germline): Likely benign. Review status: criteria provided, multiple submitters, no conflicts (2 of 4 stars). 3 submissions from 3 submitters: Likely benign (3). Last evaluated 2025-12-17.

Conditions:
SERPINB6-related disorder. Also called: SERPINB6-related condition.

Allele frequency attached by ClinVar (database versions not stated): ExAC 0.00003; gnomAD exomes 0.00003; gnomAD 0.00006 and 0.00009; TOPMed 0.00009; 1000 Genomes Project 30x 0.00031; 1000 Genomes Project 0.00040.
gnomAD v4.1: 32 of 1,614,088 alleles (0.002%); highest among the groups gnomAD compares: African/African-American, 0.04%; 1 homozygote.

Submissions (3):

Labcorp Genetics (formerly Invitae), Labcorp
Classification: Likely benign. Last evaluated: 2025-12-17. Review status: criteria provided, single submitter. Criteria: Invitae Variant Classification Sherloc (09022015). Collection method: clinical testing. Allele origin: germline.

PreventionGenetics, part of Exact Sciences
Classification: Likely benign for SERPINB6-related condition. Last evaluated: 2025-03-24. Review status: criteria provided, single submitter. Criteria: ACMG Guidelines, 2015. Collection method: clinical testing. Allele origin: germline.
Comment: This variant is classified as likely benign based on ACMG/AMP sequence variant interpretation guidelines (Richards et al. 2015 PMID: 25741868, with internal and published modifications).

Laboratory for Molecular Medicine, Mass General Brigham Personalized Medicine
Classification: Likely benign. Last evaluated: 2012-04-30. Review status: criteria provided, single submitter. Criteria: LMM Criteria. Collection method: clinical testing. Allele origin: germline. Observed: 1 variant allele.
Comment: Thr364Thr in Exon 08 of SERPINB6: This variant is not expected to have clinical significance because it does not alter an amino acid residue, is not located within the splice consensus sequence, and has been identified in 1/3738 African American chromosomes from a broad population by the NHLBI Exome Sequencing Project.